The following is an entry in ClinVar:

NM_001079872.2(CUL4B):c.721C>T (p.Gln241Ter)

Gene: CUL4B (cullin 4B; minus strand). Cytogenetic location: Xq24.
Variant type: single nucleotide variant.
Coding change: c.721C>T on transcript NM_001079872.2 (MANE Select); coding-DNA position 721, C replaced by T.
Protein change: p.Gln241Ter; replaces glutamine 241 with a stop codon.
Molecular consequence: nonsense.
Genome position (GRCh38, 1-based): chrX:120,547,191, G>A on the plus strand (C>T on the coding strand, the complement: CUL4B is on the minus strand). VCF-style: chrX-120547191-G-A. GRCh37 (hg19) VCF-style: chrX-119681046-G-A.
Other names: c.736C>T, p.Gln246Ter (NM_001330624.2); c.187C>T, p.Gln63Ter (NM_001369145.1); c.775C>T, p.Gln259Ter (NM_003588.4); short protein forms Q259*, Q63*, Q241*, Q246*.
Identifiers: ClinVar variation 520903 (VCV000520903.9), dbSNP rs1556220623, ClinGen allele CA414201094.

ClinVar aggregate classification (germline): Pathogenic. Review status: criteria provided, multiple submitters, no conflicts (2 of 4 stars). 2 submissions from 2 submitters: Pathogenic (2). Last evaluated 2022-09-01.

Conditions:
X-linked intellectual disability Cabezas type (MRXSC). Also called: Intellectual developmental disorder, X-linked syndromic, Cabezas type; MENTAL RETARDATION, X-LINKED, SYNDROMIC 15; CABEZAS SYNDROME. Identifiers: Orphanet 85289, Orphanet 85293, MedGen C1845861, MONDO:0010306, OMIM 300354.
Inborn genetic diseases. Identifiers: MedGen C0950123, MeSH D030342.

Submissions (2):

Labcorp Genetics (formerly Invitae), Labcorp
Classification: Pathogenic for X-linked intellectual disability Cabezas type. Last evaluated: 2022-09-01. Review status: criteria provided, single submitter. Criteria: Invitae Variant Classification Sherloc (09022015). Collection method: clinical testing. Allele origin: germline.
Comment: For these reasons, this variant has been classified as Pathogenic. Algorithms developed to predict the effect of sequence changes on RNA splicing suggest that this variant may disrupt the consensus splice site. ClinVar contains an entry for this variant (Variation ID: 520903). This variant has not been reported in the literature in individuals affected with CUL4B-related conditions. This variant is not present in population databases (gnomAD no frequency). This sequence change creates a premature translational stop signal (p.Gln259*) in the CUL4B gene. It is expected to result in an absent or disrupted protein product. Loss-of-function variants in CUL4B are known to be pathogenic (PMID: 17236139, 25385192).

Ambry Genetics
Classification: Pathogenic for Inborn genetic diseases. Last evaluated: 2015-12-30. Review status: criteria provided, single submitter. Criteria: Ambry exome assertion method (8-5-2015). Collection method: clinical testing. Allele origin: germline. Affected: yes. Observed: 1 variant allele.

Literature cited by the submitters: PubMed 17236139 (cited by Labcorp Genetics (formerly Invitae), Labcorp); PubMed 25385192 (cited by Labcorp Genetics (formerly Invitae), Labcorp).